The following is an entry in ClinVar:

ClinVar aggregate classification (germline): Benign (1 of 4 stars; one submission).

Allele frequency attached by ClinVar (database versions not stated): 1000 Genomes Project 30x 0.73173; 1000 Genomes Project 0.73383; TOPMed 0.69378.

Submission:

GeneDx
Classification: Benign. Last evaluated: 2018-06-18. Review status: criteria provided, single submitter. Criteria: GeneDx Variant Classification (06012015). Collection method: clinical testing. Allele origin: germline. Affected: yes.
Comment: This variant is considered likely benign or benign based on one or more of the following criteria: it is a conservative change, it occurs at a poorly conserved position in the protein, it is predicted to be benign by multiple in silico algorithms, and/or has population frequency not consistent with disease.

NM_007327.4(GRIN1):c.571-1141G>A

Gene: GRIN1 (glutamate ionotropic receptor NMDA type subunit 1; plus strand). Cytogenetic location: 9q34.3.
Variant type: single nucleotide variant.
Coding change: c.571-1141G>A on transcript NM_007327.4 (MANE Select); 1141 bases into the intron before coding-DNA position 571, G replaced by A.
Molecular consequence: intron variant.
Genome position (GRCh38, 1-based): chr9:137,147,868, G>A. VCF-style: chr9-137147868-G-A. GRCh37 (hg19) VCF-style: chr9-140042320-G-A.
Other names: c.571-284G>A (NM_001185090.2, NM_001185091.2); c.571-1141G>A (NM_021569.4, NM_000832.7).
Identifiers: ClinVar variation 683406 (VCV000683406.1), dbSNP rs10870198, ClinGen allele CA12976564.